The following is an entry in ClinVar:

ClinVar aggregate classification (germline): Conflicting classifications of pathogenicity. Review status: criteria provided, conflicting classifications (1 of 4 stars). 2 submissions from 2 submitters: Uncertain significance (1); Likely benign (1). Last evaluated 2024-05-01.

Conditions:
Emery-Dreifuss muscular dystrophy 5, autosomal dominant (EDMD5). Also called: EMERY-DREIFUSS MUSCULAR DYSTROPHY 5. Identifiers: Orphanet 261, MedGen C2751805, MONDO:0013072, OMIM 612999.

Allele frequency attached by ClinVar (database versions not stated): gnomAD 0.00001; TOPMed 0.00002; gnomAD exomes 0.00003; ExAC 0.00004.
gnomAD v4.1: 44 of 1,614,012 alleles (0.0027%); highest among the groups gnomAD compares: South Asian, 0.025%; no homozygotes.

Submissions (2):

CeGaT Center for Human Genetics Tuebingen
Classification: Likely benign. Last evaluated: 2024-05-01. Review status: criteria provided, single submitter. Criteria: CeGaT Center For Human Genetics Tuebingen Variant Classification Criteria Version 2. Collection method: clinical testing. Allele origin: germline. Affected: yes. Observed: 1 variant allele.
Comment: SYNE2: BP4

Labcorp Genetics (formerly Invitae), Labcorp
Classification: Uncertain significance for Emery-Dreifuss muscular dystrophy 5, autosomal dominant. Last evaluated: 2022-09-20. Review status: criteria provided, single submitter. Criteria: Invitae Variant Classification Sherloc (09022015). Collection method: clinical testing. Allele origin: germline.
Comment: In summary, the available evidence is currently insufficient to determine the role of this variant in disease. Therefore, it has been classified as a Variant of Uncertain Significance. Algorithms developed to predict the effect of missense changes on protein structure and function output the following: SIFT: "Deleterious"; PolyPhen-2: "Benign"; Align-GVGD: "Class C0". The cysteine amino acid residue is found in multiple mammalian species, which suggests that this missense change does not adversely affect protein function. ClinVar contains an entry for this variant (Variation ID: 538336). This variant has not been reported in the literature in individuals affected with SYNE2-related conditions. This variant is present in population databases (rs781422804, gnomAD 0.02%). This sequence change replaces arginine, which is basic and polar, with cysteine, which is neutral and slightly polar, at codon 2365 of the SYNE2 protein (p.Arg2365Cys).

NM_182914.3(SYNE2):c.7093C>T (p.Arg2365Cys)

Gene: SYNE2 (spectrin repeat containing nuclear envelope protein 2; plus strand). Cytogenetic location: 14q23.2.
Variant type: single nucleotide variant.
Coding change: c.7093C>T on transcript NM_182914.3 (MANE Select); coding-DNA position 7093, C replaced by T.
Protein change: p.Arg2365Cys; replaces arginine 2365 with cysteine.
Molecular consequence: missense variant.
Genome position (GRCh38, 1-based): chr14:64,031,229, C>T. VCF-style: chr14-64031229-C-T. GRCh37 (hg19) VCF-style: chr14-64497947-C-T.
Other names: c.7093C>T, p.Arg2365Cys (NM_015180.6); short protein forms R2365C.
Identifiers: ClinVar variation 538336 (VCV000538336.27), dbSNP rs781422804, ClinGen allele CA7220847.